The following is an entry in ClinVar:

ClinVar aggregate classification (germline): Pathogenic (1 of 4 stars; one submission).

Conditions:
Primary ciliary dyskinesia. Also called: Ciliary dyskinesia. Identifiers: Orphanet 244, MedGen C0008780, MONDO:0016575, HP:0012265.

Allele frequency attached by ClinVar (database versions not stated): gnomAD exomes below 0.00001.
gnomAD v4.1: 2 of 1,611,944 alleles (0.00012%); highest among the groups gnomAD compares: Admixed American, 0.0017%; no homozygotes.

Submission:

Labcorp Genetics (formerly Invitae), Labcorp
Classification: Pathogenic for Primary ciliary dyskinesia. Last evaluated: 2024-07-25. Review status: criteria provided, single submitter. Criteria: Invitae Variant Classification Sherloc (09022015). Collection method: clinical testing. Allele origin: germline.
Comment: This sequence change creates a premature translational stop signal (p.Gln564*) in the RSPH4A gene. It is expected to result in an absent or disrupted protein product. Loss-of-function variants in RSPH4A are known to be pathogenic (PMID: 19200523). This variant is present in population databases (no rsID available, gnomAD 0.003%). This variant has not been reported in the literature in individuals affected with RSPH4A-related conditions. ClinVar contains an entry for this variant (Variation ID: 525321). Algorithms developed to predict the effect of sequence changes on RNA splicing suggest that this variant may disrupt the consensus splice site. For these reasons, this variant has been classified as Pathogenic.

Literature cited by the submitters: PubMed 19200523.

NM_001010892.3(RSPH4A):c.1690C>T (p.Gln564Ter)

Gene: RSPH4A (radial spoke head component 4A; plus strand). Cytogenetic location: 6q22.1.
Variant type: single nucleotide variant.
Coding change: c.1690C>T on transcript NM_001010892.3 (MANE Select); coding-DNA position 1690, C replaced by T.
Protein change: p.Gln564Ter; replaces glutamine 564 with a stop codon.
Molecular consequence: nonsense. On other transcripts: intron variant (1).
Genome position (GRCh38, 1-based): chr6:116,629,594, C>T. VCF-style: chr6-116629594-C-T. GRCh37 (hg19) VCF-style: chr6-116950757-C-T.
Other names: c.1663-841C>T (NM_001161664.2); short protein forms Q564*.
Identifiers: ClinVar variation 525321 (VCV000525321.7), dbSNP rs1554249521, ClinGen allele CA365408677.
Genomic context (GRCh38, chr6:116,629,594, plus strand): 5'-TAGACTACTAAATCTTGCAACATTCATTCCCAGGGTCGCTGTAATTGGTTCAACTCCATA[C>T]AAAAAAATGAGGAAGAAGAAGAGGAAGAAGATGAAGAAAAAGACGATTCTGACTACATAG-3'